The following is an entry in ClinVar:

NM_182643.3(DLC1):c.694G>T (p.Ala232Ser)

Gene: DLC1 (DLC1 Rho GTPase activating protein; minus strand). Cytogenetic location: 8p22.
Variant type: single nucleotide variant.
Coding change: c.694G>T on transcript NM_182643.3 (MANE Select); coding-DNA position 694, G replaced by T.
Protein change: p.Ala232Ser; replaces alanine 232 with serine.
Molecular consequence: missense variant. On other transcripts: 5 prime UTR variant (1).
Genome position (GRCh38, 1-based): chr8:13,499,378, C>A on the plus strand (G>T on the coding strand, the complement: DLC1 is on the minus strand). VCF-style: chr8-13499378-C-A. GRCh37 (hg19) VCF-style: chr8-13356887-C-A.
Other names: c.694G>T, p.Ala232Ser (NM_001348081.2, NM_001413124.1, NM_001413125.1 and 1 more transcripts); c.-758G>T (NM_001348082.2); short protein forms A232S.
Identifiers: ClinVar variation 2069973 (VCV002069973.4), dbSNP rs2486208787, ClinGen allele CA370381336.

ClinVar aggregate classification (germline): Uncertain significance (1 of 4 stars; one submission).

Submission:

Labcorp Genetics (formerly Invitae), Labcorp
Classification: Uncertain significance. Last evaluated: 2024-02-24. Review status: criteria provided, single submitter. Criteria: Invitae Variant Classification Sherloc (09022015). Collection method: clinical testing. Allele origin: germline.
Comment: This sequence change replaces alanine, which is neutral and non-polar, with serine, which is neutral and polar, at codon 232 of the DLC1 protein (p.Ala232Ser). This variant is not present in population databases (gnomAD no frequency). This variant has not been reported in the literature in individuals affected with DLC1-related conditions. ClinVar contains an entry for this variant (Variation ID: 2069973). An algorithm developed to predict the effect of missense changes on protein structure and function (PolyPhen-2) suggests that this variant is likely to be tolerated. In summary, the available evidence is currently insufficient to determine the role of this variant in disease. Therefore, it has been classified as a Variant of Uncertain Significance.